The following is an entry in ClinVar:

NM_001384732.1(CPLANE1):c.6565C>T (p.Pro2189Ser)

Gene: CPLANE1 (ciliogenesis and planar polarity effector complex subunit 1; minus strand). Cytogenetic location: 5p13.2.
Variant type: single nucleotide variant.
Coding change: c.6565C>T on transcript NM_001384732.1 (MANE Select); coding-DNA position 6565, C replaced by T.
Protein change: p.Pro2189Ser; replaces proline 2189 with serine.
Molecular consequence: missense variant.
Genome position (GRCh38, 1-based): chr5:37,169,459, G>A on the plus strand (C>T on the coding strand, the complement: CPLANE1 is on the minus strand). VCF-style: chr5-37169459-G-A. GRCh37 (hg19) VCF-style: chr5-37169561-G-A.
Other names: c.6565C>T, p.Pro2189Ser (NM_023073.4); short protein forms P2189S.
Identifiers: ClinVar variation 1354996 (VCV001354996.8), dbSNP rs750344707, ClinGen allele CA359480356.

ClinVar aggregate classification (germline): Uncertain significance (1 of 4 stars; one submission).

gnomAD v4.1: 2 of 1,614,196 alleles (0.00012%); highest among the groups gnomAD compares: Non-Finnish European, 0.00017%; no homozygotes.

Submission:

Labcorp Genetics (formerly Invitae), Labcorp
Classification: Uncertain significance. Last evaluated: 2021-05-18. Review status: criteria provided, single submitter. Criteria: Invitae Variant Classification Sherloc (09022015). Collection method: clinical testing. Allele origin: germline.
Comment: Advanced modeling of protein sequence and biophysical properties (such as structural, functional, and spatial information, amino acid conservation, physicochemical variation, residue mobility, and thermodynamic stability) performed at Invitae indicates that this missense variant is not expected to disrupt CPLANE1 protein function. In summary, the available evidence is currently insufficient to determine the role of this variant in disease. Therefore, it has been classified as a Variant of Uncertain Significance. This variant has not been reported in the literature in individuals with CPLANE1-related conditions. This variant is not present in population databases (ExAC no frequency). This sequence change replaces proline with serine at codon 2189 of the CPLANE1 protein (p.Pro2189Ser). The proline residue is moderately conserved and there is a moderate physicochemical difference between proline and serine.